The following is an entry in ClinVar:

NM_000363.5(TNNI3):c.380A>G (p.Asp127Gly)

Gene: TNNI3 (troponin I3, cardiac type; minus strand). Cytogenetic location: 19q13.42.
Variant type: single nucleotide variant.
Coding change: c.380A>G on transcript NM_000363.5 (MANE Select); coding-DNA position 380, A replaced by G.
Protein change: p.Asp127Gly; replaces aspartic acid 127 with glycine.
Molecular consequence: missense variant.
Genome position (GRCh38, 1-based): chr19:55,154,199, T>C on the plus strand (A>G on the coding strand, the complement: TNNI3 is on the minus strand). VCF-style: chr19-55154199-T-C. GRCh37 (hg19) VCF-style: chr19-55665567-T-C.
Other names: short protein forms D127G.
Identifiers: ClinVar variation 1735124 (VCV001735124.5), dbSNP rs1384750266, ClinGen allele CA407440797.

ClinVar aggregate classification (germline): Uncertain significance. Review status: criteria provided, multiple submitters, no conflicts (2 of 4 stars). 2 submissions from 2 submitters: Uncertain significance (2). Last evaluated 2024-12-20.

Conditions:
Hypertrophic cardiomyopathy. Also called: HYPERTROPHIC MYOCARDIOPATHY. Identifiers: Orphanet 217569, MedGen C0007194, MeSH D002312, MONDO:0005045, HP:0001639.
Cardiovascular phenotype. Identifiers: MedGen CN230736.

Allele frequency attached by ClinVar (database versions not stated): gnomAD exomes below 0.00001.

Submissions (2):

Ambry Genetics
Classification: Uncertain significance for Cardiovascular phenotype. Last evaluated: 2024-12-20. Review status: criteria provided, single submitter. Criteria: Ambry Variant Classification Scheme 2023. Collection method: clinical testing. Allele origin: germline.
Comment: The p.D127G variant (also known as c.380A>G), located in coding exon 7 of the TNNI3 gene, results from an A to G substitution at nucleotide position 380. The aspartic acid at codon 127 is replaced by glycine, an amino acid with similar properties. An alternate amino acid substitution at this codon, p.D127Y, has been reported as de novo in an early onset restrictive cardiomyopathy case (Klauke B et al. PLoS ONE, 2017 Dec;12:e0189489). This amino acid position is highly conserved in available vertebrate species. In addition, the in silico prediction for this alteration is inconclusive. Since supporting evidence is limited at this time, the clinical significance of this alteration remains unclear.

Labcorp Genetics (formerly Invitae), Labcorp
Classification: Uncertain significance for Hypertrophic cardiomyopathy. Last evaluated: 2024-02-17. Review status: criteria provided, single submitter. Criteria: Invitae Variant Classification Sherloc (09022015). Collection method: clinical testing. Allele origin: germline.
Comment: This sequence change replaces aspartic acid, which is acidic and polar, with glycine, which is neutral and non-polar, at codon 127 of the TNNI3 protein (p.Asp127Gly). This variant is present in population databases (no rsID available, gnomAD 0.0009%). This variant has not been reported in the literature in individuals affected with TNNI3-related conditions. ClinVar contains an entry for this variant (Variation ID: 1735124). An algorithm developed to predict the effect of missense changes on protein structure and function (PolyPhen-2) suggests that this variant is likely to be disruptive. In summary, the available evidence is currently insufficient to determine the role of this variant in disease. Therefore, it has been classified as a Variant of Uncertain Significance.

Literature cited by the submitters: PubMed 29253866 (cited by Ambry Genetics).